The following is an entry in ClinVar:

NM_001042492.3(NF1):c.7142dup (p.Asn2381fs)

Gene: NF1 (neurofibromin 1; plus strand). Cytogenetic location: 17q11.2.
Variant type: Duplication.
Coding change: c.7142dup on transcript NM_001042492.3 (MANE Select); coding-DNA position 7142, one base duplicated (A; older notation c.7142dupA).
Protein change: p.Asn2381fs; shifts the reading frame from asparagine 2381.
Molecular consequence: frameshift variant.
Genome position (GRCh38, 1-based): chr17:31,343,088, A duplicated; the last of 2 consecutive A bases (chr17:31,343,087-31,343,088); duplicating either gives the same sequence. VCF-style (leftmost placement, unchanged base first): chr17-31343086-C-CA. GRCh37 (hg19) VCF-style: chr17-29670104-C-CA.
Other names: c.7079dup, p.Asn2360Lysfs (NM_000267.4); short protein forms N2381fs, N2360fs.
Identifiers: ClinVar variation 839973 (VCV000839973.6), dbSNP rs2069868519, ClinGen allele CA916080695.
Genomic context (GRCh38, chr17:31,343,086, plus strand): 5'-TATGGCAATCCGGAATCCTCTGGAGTGGCACTGCAAGCAAATGGATCATTTTGTTGGACT[C>CA]AATTTCAACTCTAACTTTAACTTTGCATTGGTTGGACACCTTTTAAAAGGTAAAAAAGCC-3'

ClinVar aggregate classification (germline): Pathogenic (1 of 4 stars; one submission).

Conditions:
Neurofibromatosis, type 1 (NF1). Also called: Peripheral type neurofibromatosis; VON RECKLINGHAUSEN DISEASE; Neurofibromatosis, type I; NEUROFIBROMATOSIS, TYPE I, SOMATIC. Identifiers: Orphanet 636, MedGen C0027831, MONDO:0018975, OMIM 162200. Disease mechanism: loss of function.

Submission:

Labcorp Genetics (formerly Invitae), Labcorp
Classification: Pathogenic for Neurofibromatosis, type 1. Last evaluated: 2021-07-01. Review status: criteria provided, single submitter. Criteria: Invitae Variant Classification Sherloc (09022015). Collection method: clinical testing. Allele origin: germline.
Comment: Loss-of-function variants in NF1 are known to be pathogenic (PMID: 10712197, 23913538). This sequence change creates a premature translational stop signal (p.Asn2360Lysfs*5) in the NF1 gene. It is expected to result in an absent or disrupted protein product. This variant is not present in population databases (ExAC no frequency). This variant has not been reported in the literature in individuals with NF1-related conditions. For these reasons, this variant has been classified as Pathogenic.

Literature cited by the submitters: PubMed 10712197; PubMed 23913538.